The following is an entry in ClinVar:

ClinVar aggregate classification (germline): Uncertain significance (1 of 4 stars; one submission).

Conditions:
Lethal multiple pterygium syndrome (LMPS). Identifiers: Orphanet 33108, MedGen C1854678, MONDO:0009668, OMIM 253290.

Allele frequency attached by ClinVar (database versions not stated): gnomAD 0.00001; ExAC 0.00002; TOPMed 0.00002; ESP Exome Variant Server 0.00008.
gnomAD v4.1: 45 of 1,613,962 alleles (0.0028%); highest among the groups gnomAD compares: Non-Finnish European, 0.0031%; no homozygotes.

Submission:

Labcorp Genetics (formerly Invitae), Labcorp
Classification: Uncertain significance for Lethal multiple pterygium syndrome. Last evaluated: 2025-10-02. Review status: criteria provided, single submitter. Criteria: Invitae Variant Classification Sherloc (09022015). Collection method: clinical testing. Allele origin: germline.
Comment: This sequence change affects codon 415 of the CHRNA1 mRNA. It is a 'silent' change, meaning that it does not change the encoded amino acid sequence of the CHRNA1 protein. This variant is present in population databases (rs372181669, gnomAD 0.004%). This variant has not been reported in the literature in individuals affected with CHRNA1-related conditions. ClinVar contains an entry for this variant (Variation ID: 1063829). Algorithms developed to predict the effect of sequence changes on RNA splicing suggest that this variant may create or strengthen a splice site. In summary, the available evidence is currently insufficient to determine the role of this variant in disease. Therefore, it has been classified as a Variant of Uncertain Significance.

NM_000079.4(CHRNA1):c.1245G>A (p.Ala415=)

Gene: CHRNA1 (cholinergic receptor nicotinic alpha 1 subunit; minus strand). Cytogenetic location: 2q31.1.
Variant type: single nucleotide variant.
Coding change: c.1245G>A on transcript NM_000079.4 (MANE Select); coding-DNA position 1245, G replaced by A.
Protein change: p.Ala415=; no amino-acid change (alanine 415 retained).
Molecular consequence: synonymous variant.
Genome position (GRCh38, 1-based): chr2:174,748,253, C>T on the plus strand (G>A on the coding strand, the complement: CHRNA1 is on the minus strand). VCF-style: chr2-174748253-C-T. GRCh37 (hg19) VCF-style: chr2-175612981-C-T.
Other names: c.1320G>A, p.Ala440= (NM_001039523.3).
Identifiers: ClinVar variation 1063829 (VCV001063829.7), dbSNP rs372181669, ClinGen allele CA1974320.